The following is an entry in ClinVar:

ClinVar aggregate classification (germline): Uncertain significance (1 of 4 stars; one submission).

Submission:

Dasa
Classification: Uncertain significance. Last evaluated: 2025-12-26. Review status: criteria provided, single submitter. Criteria: DASA Assertion Criteria. Collection method: clinical testing. Allele origin: germline.
Comment: NM_015100.4(POGZ):c.131T>C (p.Val44Ala) is a missense variant that results in the substitution of valine with alanine. This variant is rare in population databases. The currently available literature and clinical evidence are not sufficient to establish a definitive association between this variant and the reported condition. Therefore, this variant is classified as a variant of uncertain significance.

NM_015100.4(POGZ):c.131T>C (p.Val44Ala)

Gene: POGZ (pogo transposable element derived with ZNF domain; minus strand). Cytogenetic location: 1q21.3.
Variant type: single nucleotide variant.
Coding change: c.131T>C on transcript NM_015100.4 (MANE Select); coding-DNA position 131, T replaced by C.
Protein change: p.Val44Ala; replaces valine 44 with alanine.
Molecular consequence: missense variant. On other transcripts: intron variant (2).
Genome position (GRCh38, 1-based): chr1:151,441,080, A>G on the plus strand (T>C on the coding strand, the complement: POGZ is on the minus strand). VCF-style: chr1-151441080-A-G. GRCh37 (hg19) VCF-style: chr1-151413556-A-G.
Other names: c.131T>C, p.Val44Ala (NM_001194937.2, NM_145796.4); c.152T>C, p.Val51Ala (NM_001410860.1); c.124+1001T>C (NM_001194938.2, NM_207171.2); short protein forms V44A, V51A.
Identifiers: ClinVar variation 4885194 (VCV004885194.2).
Genomic context (GRCh38, chr1:151,441,080, plus strand): 5'-TGCCCAGCAACAGAAGCATGGGCAGCGATGGGCACTGGAGCCGAGACTGGCTGCTGGCTC[A>G]CAGAAACTGTGGGGAAGGGGAGGCATAGTCACTTGGAGACAGGGACAGATGACACTAAAG-3'
Protein context (NP_055915.2, residues 34-54): NSVDKTTTVS[Val44Ala]SQQPVSAPVP